The following is an entry in ClinVar:

NM_170665.4(ATP2A2):c.433dup (p.Ile145fs)

Gene: ATP2A2 (ATPase sarcoplasmic/endoplasmic reticulum Ca2+ transporting 2; plus strand). Cytogenetic location: 12q24.11.
Variant type: Duplication.
Coding change: c.433dup on transcript NM_170665.4 (MANE Select); coding-DNA position 433, one base duplicated (A; older notation c.433dupA).
Protein change: p.Ile145fs; shifts the reading frame from isoleucine 145.
Molecular consequence: frameshift variant.
Genome position (GRCh38, 1-based): chr12:110,296,707, A duplicated. VCF-style (leftmost placement, unchanged base first): chr12-110296706-C-CA. GRCh37 (hg19) VCF-style: chr12-110734511-C-CA.
Other names: c.328dup, p.Ile110fs (NM_001413013.1); c.433dup, p.Ile145fs (NM_001413014.1, NM_001681.4); c.58dup, p.Ile20fs (NM_001413015.1); short protein forms I145fs, I20fs, I110fs.
Identifiers: ClinVar variation 4840566 (VCV004840566.1).

ClinVar aggregate classification (germline): Pathogenic (1 of 4 stars; one submission).

Conditions:
Inborn genetic diseases. Identifiers: MedGen C0950123, MeSH D030342.

Submission:

Ambry Genetics
Classification: Pathogenic for Inborn genetic diseases. Last evaluated: 2026-03-03. Review status: criteria provided, single submitter. Criteria: Ambry Variant Classification Scheme 2023. Collection method: clinical testing. Allele origin: germline.
Comment: The c.433dupA (p.I145Nfs*5) alteration, located in exon 5 (coding exon 5) of the ATP2A2 gene, consists of a duplication of A at position 433, causing a translational frameshift with a predicted alternate stop codon after 5 amino acids. This variant is expected to result in loss of function by premature protein truncation or nonsense-mediated mRNA decay. This variant was not reported in population-based cohorts in the Genome Aggregation Database (gnomAD). Based on the available evidence, this alteration is classified as pathogenic.